The following is an entry in ClinVar:

NM_021098.3(CACNA1H):c.2881C>T (p.Leu961=)

Gene: CACNA1H (calcium voltage-gated channel subunit alpha1 H; plus strand). Cytogenetic location: 16p13.3.
Variant type: single nucleotide variant.
Coding change: c.2881C>T on transcript NM_021098.3 (MANE Select); coding-DNA position 2881, C replaced by T.
Protein change: p.Leu961=; no amino-acid change (leucine 961 retained).
Molecular consequence: synonymous variant.
Genome position (GRCh38, 1-based): chr16:1,207,092, C>T. VCF-style: chr16-1207092-C-T. GRCh37 (hg19) VCF-style: chr16-1257092-C-T.
Other names: c.2881C>T, p.Leu961= (NM_001005407.2).
Identifiers: ClinVar variation 460073 (VCV000460073.41), dbSNP rs58615599, ClinGen allele CA7800473.

ClinVar aggregate classification (germline): Benign/Likely benign. Review status: criteria provided, multiple submitters, no conflicts (2 of 4 stars). 7 submissions from 7 submitters: Benign (4); Likely benign (2). 1 of the submissions does not count toward it. Last evaluated 2026-04-01.

Conditions:
CACNA1H-related disorder.
Epilepsy, childhood absence, susceptibility to, 6. Identifiers: Orphanet 64280, MedGen C2749872, MONDO:0012763, OMIM 611942.
Hyperaldosteronism, familial, type IV (HALD4). Also called: FH IV; ALDOSTERONISM, PRIMARY, AND HYPERTENSION. Identifiers: Orphanet 642671, MedGen C4310756, MONDO:0014875, OMIM 617027.
Idiopathic generalized epilepsy. Also called: EIG; Generalised epilepsy. Identifiers: MedGen C0270850, MONDO:0005579, OMIM 600669.

Allele frequency attached by ClinVar (database versions not stated): gnomAD 0.00607 and 0.00591; gnomAD exomes 0.00808 and 0.00475; ExAC 0.00813; 1000 Genomes Project 30x 0.00234; 1000 Genomes Project 0.00260; TOPMed 0.00535; ESP Exome Variant Server 0.00606.
gnomAD v4.1: 12,454 of 1,598,686 alleles (0.78%); highest among the groups gnomAD compares: Non-Finnish European, 0.97%; 67 homozygotes.

Submissions (7):

CeGaT Center for Human Genetics Tuebingen
Classification: Likely benign. Last evaluated: 2026-04-01. Review status: criteria provided, single submitter. Criteria: CeGaT Center For Human Genetics Tuebingen Variant Classification Criteria Version 2. Collection method: clinical testing. Allele origin: germline. Affected: yes. Observed: 7 variant alleles.
Comment: CACNA1H: BP4, BP7, BS2

Labcorp Genetics (formerly Invitae), Labcorp
Classification: Benign for Idiopathic generalized epilepsy; Hyperaldosteronism, familial, type IV. Last evaluated: 2026-02-03. Review status: criteria provided, single submitter. Criteria: Invitae Variant Classification Sherloc (09022015). Collection method: clinical testing. Allele origin: germline.

Athena Diagnostics
Classification: Benign. Last evaluated: 2024-12-06. Review status: criteria provided, single submitter. Criteria: Athena Diagnostics Criteria. Collection method: clinical testing. Allele origin: unknown.
Comment: The frequency of this variant in the general population is higher than would generally be expected for pathogenic variants in this gene.

Blueprint Genetics
Classification: Likely benign. Last evaluated: 2024-11-27. Review status: criteria provided, single submitter. Criteria: ACMG Guidelines, 2015. Collection method: clinical testing. Allele origin: germline.

Fulgent Genetics
Classification: Benign for Epilepsy, childhood absence, susceptibility to, 6; Hyperaldosteronism, familial, type IV. Last evaluated: 2021-07-14. Review status: criteria provided, single submitter. Criteria: ACMG Guidelines, 2015. Collection method: clinical testing. Allele origin: unknown.

Breakthrough Genomics
Classification: Benign. Review status: criteria provided, single submitter. Criteria: ACMG Guidelines, 2015. Collection method: not provided. Allele origin: germline. Inheritance: Autosomal dominant inheritance. Affected: yes.

PreventionGenetics, part of Exact Sciences
Classification: Benign for CACNA1H-related condition. Last evaluated: 2019-04-26. Review status: no assertion criteria provided. Collection method: clinical testing. Allele origin: germline. Not counted in ClinVar's aggregate classification.
Comment: This variant is classified as benign based on ACMG/AMP sequence variant interpretation guidelines (Richards et al. 2015 PMID: 25741868, with internal and published modifications).

Literature cited by the submitters: PubMed 21703448 (cited by Athena Diagnostics).